The following is an entry in ClinVar:

NM_000455.5(STK11):c.826G>A (p.Gly276Ser)

Gene: STK11 (serine/threonine kinase 11; plus strand). Cytogenetic location: 19p13.3.
Variant type: single nucleotide variant.
Coding change: c.826G>A on transcript NM_000455.5 (MANE Select); coding-DNA position 826, G replaced by A.
Protein change: p.Gly276Ser; replaces glycine 276 with serine.
Molecular consequence: missense variant.
Genome position (GRCh38, 1-based): chr19:1,221,304, G>A. VCF-style: chr19-1221304-G-A. GRCh37 (hg19) VCF-style: chr19-1221303-G-A.
Other names: short protein forms G276S.
Identifiers: ClinVar variation 1373920 (VCV001373920.8), dbSNP rs1461580063, ClinGen allele CA402950649.

ClinVar aggregate classification (germline): Uncertain significance (1 of 4 stars; one submission).

Conditions:
Peutz-Jeghers syndrome (PJS). Also called: Peutz-Jeghers polyposis; Periorificial lentiginosis syndrome; POLYPOSIS, HAMARTOMATOUS INTESTINAL; POLYPS-AND-SPOTS SYNDROME. Identifiers: Orphanet 2869, MedGen C0031269, MeSH D010580, MONDO:0008280, OMIM 175200.

Allele frequency attached by ClinVar (database versions not stated): gnomAD exomes below 0.00001.
gnomAD v4.1: 1 of 1,610,606 alleles (0.000062%); highest among the groups gnomAD compares: Admixed American, 0.0017%; no homozygotes.

Submission:

Labcorp Genetics (formerly Invitae), Labcorp
Classification: Uncertain significance for Peutz-Jeghers syndrome. Last evaluated: 2021-06-07. Review status: criteria provided, single submitter. Criteria: Invitae Variant Classification Sherloc (09022015). Collection method: clinical testing. Allele origin: germline.
Comment: In summary, the available evidence is currently insufficient to determine the role of this variant in disease. Therefore, it has been classified as a Variant of Uncertain Significance. This sequence change replaces glycine with serine at codon 276 of the STK11 protein (p.Gly276Ser). The glycine residue is weakly conserved and there is a small physicochemical difference between glycine and serine. This variant is not present in population databases (ExAC no frequency). This variant has not been reported in the literature in individuals with STK11-related conditions. Advanced modeling of protein sequence and biophysical properties (such as structural, functional, and spatial information, amino acid conservation, physicochemical variation, residue mobility, and thermodynamic stability) performed at Invitae indicates that this missense variant is not expected to disrupt STK11 protein function.